The following is an entry in ClinVar:

NM_032043.3(BRIP1):c.2483C>G (p.Ala828Gly)

Gene: BRIP1 (BRCA1 interacting DNA helicase 1; minus strand). Cytogenetic location: 17q23.2.
Variant type: single nucleotide variant.
Coding change: c.2483C>G on transcript NM_032043.3 (MANE Select); coding-DNA position 2483, C replaced by G.
Protein change: p.Ala828Gly; replaces alanine 828 with glycine.
Molecular consequence: missense variant.
Genome position (GRCh38, 1-based): chr17:61,715,960, G>C on the plus strand (C>G on the coding strand, the complement: BRIP1 is on the minus strand). VCF-style: chr17-61715960-G-C. GRCh37 (hg19) VCF-style: chr17-59793321-G-C.
Other names: short protein forms A828G.
Identifiers: ClinVar variation 959352 (VCV000959352.15), dbSNP rs2061853042, ClinGen allele CA400479412.

ClinVar aggregate classification (germline): Uncertain significance. Review status: criteria provided, multiple submitters, no conflicts (2 of 4 stars). 4 submissions from 4 submitters: Uncertain significance (4). Last evaluated 2025-07-07.

Conditions:
Familial cancer of breast. Also called: Hereditary breast cancer; BREAST CANCER, FAMILIAL; hereditary breast carcinoma. Identifiers: Orphanet 227535, MedGen C0346153, MONDO:0016419, OMIM 114480. Disease mechanism: loss of function.
Fanconi anemia complementation group J. Also called: BRIP1-Related Fanconi Anemia. Identifiers: Orphanet 84, MedGen C1836860, MONDO:0012187, OMIM 609054.
Hereditary cancer-predisposing syndrome. Also called: Hereditary neoplastic syndrome; Tumor predisposition; Neoplastic Syndromes, Hereditary; Hereditary Cancer Syndrome. Identifiers: Orphanet 140162, MedGen C0027672, MeSH D009386, MONDO:0015356.

Submissions (4):

KCCC/NGS Laboratory, Kuwait Cancer Control Center
Classification: Uncertain significance for Familial cancer of breast. Last evaluated: 2025-07-07. Review status: criteria provided, single submitter. Criteria: ACMG Guidelines, 2015. Collection method: clinical testing. Allele origin: germline. Inheritance: Autosomal dominant inheritance. Affected: yes. Observed: 1 heterozygote.
Comment: This sequence change replaces alanine, which is neutral and non-polar, with glycine, which is neutral and non-polar, at codon 828 of the BRIP1 protein (p.Ala828Gly). This amino acid position is highly conserved. This variant is not present in population databases (gnomAD no frequency). This variant has not been reported in the literature in individuals affected with BRIP1-related conditions. ClinVar contains an entry for this variant (Variation ID: 959352). In addition, this alteration is predicted to be deleterious by in silico analysis. In summary, the available evidence is currently insufficient to determine the role of this variant in disease. Therefore, it has been classified as a Variant of Uncertain Significance.

Labcorp Genetics (formerly Invitae), Labcorp
Classification: Uncertain significance for Familial cancer of breast; Fanconi anemia complementation group J. Last evaluated: 2025-02-03. Review status: criteria provided, single submitter. Criteria: Invitae Variant Classification Sherloc (09022015). Collection method: clinical testing. Allele origin: germline.
Comment: This sequence change replaces alanine, which is neutral and non-polar, with glycine, which is neutral and non-polar, at codon 828 of the BRIP1 protein (p.Ala828Gly). This variant is not present in population databases (gnomAD no frequency). This variant has not been reported in the literature in individuals affected with BRIP1-related conditions. ClinVar contains an entry for this variant (Variation ID: 959352). Invitae Evidence Modeling of protein sequence and biophysical properties (such as structural, functional, and spatial information, amino acid conservation, physicochemical variation, residue mobility, and thermodynamic stability) indicates that this missense variant is expected to disrupt BRIP1 protein function with a positive predictive value of 95%. In summary, the available evidence is currently insufficient to determine the role of this variant in disease. Therefore, it has been classified as a Variant of Uncertain Significance.

Ambry Genetics
Classification: Uncertain significance for Hereditary cancer-predisposing syndrome. Last evaluated: 2023-11-03. Review status: criteria provided, single submitter. Criteria: Ambry Variant Classification Scheme 2023. Collection method: clinical testing. Allele origin: germline.
Comment: The p.A828G variant (also known as c.2483C>G), located in coding exon 16 of the BRIP1 gene, results from a C to G substitution at nucleotide position 2483. The alanine at codon 828 is replaced by glycine, an amino acid with similar properties. This amino acid position is highly conserved in available vertebrate species. In addition, this alteration is predicted to be deleterious by in silico analysis. Since supporting evidence is limited at this time, the clinical significance of this alteration remains unclear.

Department of Pathology and Laboratory Medicine, Sinai Health System
Classification: Uncertain significance for Familial cancer of breast. Last evaluated: 2021-07-26. Review status: criteria provided, single submitter. Criteria: ACMG Guidelines, 2015. Collection method: clinical testing. Allele origin: germline. Affected: yes.